The following is an entry in ClinVar:

NM_001943.5(DSG2):c.382del (p.Thr128fs)

Gene: DSG2 (desmoglein 2; plus strand). Cytogenetic location: 18q12.1.
Variant type: Deletion.
Coding change: c.382del on transcript NM_001943.5 (MANE Select); coding-DNA position 382, one base deleted (A; older notation c.382delA).
Protein change: p.Thr128fs; shifts the reading frame from threonine 128.
Molecular consequence: frameshift variant.
Genome position (GRCh38, 1-based): chr18:31,521,102, A deleted; the last of 2 consecutive A bases (chr18:31,521,101-31,521,102); deleting either gives the same sequence. VCF-style (leftmost placement, unchanged base first): chr18-31521100-TA-T. GRCh37 (hg19) VCF-style: chr18-29101063-TA-T.
Other names: short protein forms T128fs.
Identifiers: ClinVar variation 2572599 (VCV002572599.2), dbSNP rs2510911012, ClinGen allele CA2580612971.
Genomic context (GRCh38, chr18:31,521,100, plus strand): 5'-TAGTATGGTAATTTAGTTTTCTTAGCTTAAATCTAATCTTATTTATGTCATGATTTCAGC[TA>T]ACAGGTTACGCTTTGGATGCAAGAGGAAACAATGTAGAGAAACCCTTAGAGCTACGCATT-3'

ClinVar aggregate classification (germline): Pathogenic (1 of 4 stars; one submission).

Conditions:
Arrhythmogenic right ventricular dysplasia 10. Also called: Arrhythmogenic right ventricular dysplasia/cardiomyopathy, type 10; Arrhythmogenic Right Ventricular Dysplasia/Cardiomyopathy10; ARRHYTHMOGENIC RIGHT VENTRICULAR DYSPLASIA, FAMILIAL, 10. Identifiers: MedGen C1857777, MONDO:0012434, OMIM 610193.

Submission:

3billion
Classification: Pathogenic for Arrhythmogenic right ventricular dysplasia 10. Last evaluated: 2024-07-26. Review status: criteria provided, single submitter. Criteria: ACMG Guidelines, 2015. Collection method: clinical testing. Allele origin: germline. Affected: yes.
Comment: The variant is observed at an extremely low frequency in the gnomAD v4.0.0 dataset (total allele frequency: <0.001%). Predicted Consequence/Location: Frameshift: predicted to result in a loss or disruption of normal protein function through nonsense-mediated decay (NMD) or protein truncation. Multiple pathogenic variants are reported downstream of the variant. The variant has been reported to be associated with DSG2 related disorder (3billion dataset). Therefore, this variant is classified as Pathogenic according to the recommendation of ACMG/AMP guideline.